The following is an entry in ClinVar:

ClinVar aggregate classification (germline): Likely benign. Review status: criteria provided, multiple submitters, no conflicts (2 of 4 stars). 2 submissions from 2 submitters: Likely benign (2). Last evaluated 2026-07-01.

Conditions:
Cornelia de Lange syndrome 1 (CDLS1). Also called: TYPUS DEGENERATIVUS AMSTELODAMENSIS; Brachmann de Lange syndrome; NIPBL-Related Cornelia de Lange Syndrome. Identifiers: Orphanet 199, MedGen C4551851, MONDO:0007387, OMIM 122470.

Allele frequency attached by ClinVar (database versions not stated): gnomAD exomes below 0.00001; gnomAD 0.00001; TOPMed 0.00001.
gnomAD v4.1: 7 of 1,614,026 alleles (0.00043%); highest among the groups gnomAD compares: Admixed American, 0.0067%; no homozygotes.

Submissions (2):

CeGaT Center for Human Genetics Tuebingen
Classification: Likely benign. Last evaluated: 2026-07-01. Review status: criteria provided, single submitter. Criteria: CeGaT Center For Human Genetics Tuebingen Variant Classification Criteria Version 2. Collection method: clinical testing. Allele origin: germline. Affected: yes. Observed: 1 variant allele.
Comment: NIPBL: BP4, BP7

Labcorp Genetics (formerly Invitae), Labcorp
Classification: Likely benign for Cornelia de Lange syndrome 1. Last evaluated: 2025-08-15. Review status: criteria provided, single submitter. Criteria: Invitae Variant Classification Sherloc (09022015). Collection method: clinical testing. Allele origin: germline.

NM_133433.4(NIPBL):c.5458T>C (p.Leu1820=)

Gene: NIPBL (NIPBL cohesin loading factor; plus strand). Cytogenetic location: 5p13.2.
Variant type: single nucleotide variant.
Coding change: c.5458T>C on transcript NM_133433.4 (MANE Select); coding-DNA position 5458, T replaced by C.
Protein change: p.Leu1820=; no amino-acid change (leucine 1820 retained).
Molecular consequence: synonymous variant.
Genome position (GRCh38, 1-based): chr5:37,022,274, T>C. VCF-style: chr5-37022274-T-C. GRCh37 (hg19) VCF-style: chr5-37022376-T-C.
Other names: c.5458T>C, p.Leu1820= (NM_015384.5).
Identifiers: ClinVar variation 2050816 (VCV002050816.5), dbSNP rs1327045367, ClinGen allele CA443905421.
Genomic context (GRCh38, chr5:37,022,274, plus strand): 5'-AATTGTTTTTTTCTCTTCATTTTTCTTTAGCTTGATATGCAACGAGGTGTTCATGGACGA[T>C]TGATGGATAATTCGACTAGTGTCCGAGAAGCAGCAGTAGAATTACTAGGTCGATTTGTCC-3'
Protein context (NP_597677.2, residues 1810-1830): LDMQRGVHGR[Leu1820=]MDNSTSVREA